The following is an entry in ClinVar:

ClinVar aggregate classification (germline): Uncertain significance. Review status: criteria provided, single submitter (1 of 4 stars). 2 submissions from 2 submitters: Uncertain significance (1). 1 of the submissions does not count toward it. Last evaluated 2023-06-22.

Conditions:
POLA1-related disorder. Also called: POLA1-related condition.

Allele frequency attached by ClinVar (database versions not stated): gnomAD exomes below 0.00001; TOPMed 0.00002; gnomAD 0.00003.
gnomAD v4.1: 5 of 1,139,263 alleles (0.00044%); highest among the groups gnomAD compares: African/African-American, 0.0072%; no homozygotes.

Submissions (2):

GeneDx
Classification: Uncertain significance. Last evaluated: 2023-06-22. Review status: criteria provided, single submitter. Criteria: GeneDx Variant Classification Process June 2021. Collection method: clinical testing. Allele origin: germline. Affected: yes.
Comment: Not observed at significant frequency in large population cohorts (gnomAD); In silico analysis supports that this missense variant has a deleterious effect on protein structure/function; Has not been previously published as pathogenic or benign to our knowledge

PreventionGenetics, part of Exact Sciences
Classification: Uncertain significance for POLA1-related condition. Last evaluated: 2023-10-18. Review status: no assertion criteria provided. Collection method: clinical testing. Allele origin: germline. Not counted in ClinVar's aggregate classification.
Comment: The POLA1 c.1235A>T variant is predicted to result in the amino acid substitution p.Asp412Val. To our knowledge, this variant has not been reported in the literature or in a large population database, indicating this variant is rare. At this time, the clinical significance of this variant is uncertain due to the absence of conclusive functional and genetic evidence.

NM_001330360.2(POLA1):c.1253A>T (p.Asp418Val)

Gene: POLA1 (DNA polymerase alpha 1, catalytic subunit; plus strand). Cytogenetic location: Xp22.11.
Variant type: single nucleotide variant.
Coding change: c.1253A>T on transcript NM_001330360.2 (MANE Select); coding-DNA position 1253, A replaced by T.
Protein change: p.Asp418Val; replaces aspartic acid 418 with valine.
Molecular consequence: missense variant. On other transcripts: non-coding transcript variant (2).
Genome position (GRCh38, 1-based): chrX:24,724,387, A>T. VCF-style: chrX-24724387-A-T. GRCh37 (hg19) VCF-style: chrX-24742504-A-T.
Other names: c.1253A>T, p.Asp418Val (NM_001378303.1); c.1235A>T, p.Asp412Val (NM_016937.4); short protein forms D412V, D418V.
Identifiers: ClinVar variation 2506772 (VCV002506772.3), dbSNP rs1276294427, ClinGen allele CA412532259.